The following is an entry in ClinVar:

NM_001458.5(FLNC):c.3341A>G (p.Asp1114Gly)

Gene: FLNC (filamin C; plus strand). Cytogenetic location: 7q32.1.
Variant type: single nucleotide variant.
Coding change: c.3341A>G on transcript NM_001458.5 (MANE Select); coding-DNA position 3341, A replaced by G.
Protein change: p.Asp1114Gly; replaces aspartic acid 1114 with glycine.
Molecular consequence: missense variant.
Genome position (GRCh38, 1-based): chr7:128,844,806, A>G. VCF-style: chr7-128844806-A-G. GRCh37 (hg19) VCF-style: chr7-128484860-A-G.
Other names: c.3341A>G, p.Asp1114Gly (NM_001127487.2); short protein forms D1114G.
Identifiers: ClinVar variation 3750361 (VCV003750361.3).

ClinVar aggregate classification (germline): Uncertain significance. Review status: criteria provided, multiple submitters, no conflicts (2 of 4 stars). 2 submissions from 2 submitters: Uncertain significance (2). Last evaluated 2025-06-11.

Conditions:
Distal myopathy with posterior leg and anterior hand involvement. Also called: WILLIAMS DISTAL MYOPATHY. Identifiers: Orphanet 63273, MedGen C3279722, MONDO:0013550, OMIM 614065.
Hypertrophic cardiomyopathy 26. Also called: Cardiomyopathy, familial hypertrophic, 26. Identifiers: Orphanet 75249, MedGen C4310749, MONDO:0014883, OMIM 617047.
Myofibrillar myopathy 5. Also called: Filaminopathy (type); FILAMINOPATHY, AUTOSOMAL DOMINANT. Identifiers: Orphanet 171445, MedGen C1836050, MONDO:0012289, OMIM 609524.

Submissions (2):

GeneDx
Classification: Uncertain significance. Last evaluated: 2025-06-11. Review status: criteria provided, single submitter. Criteria: GeneDx Variant Classification Process June 2021. Collection method: clinical testing. Allele origin: germline. Affected: yes.
Comment: Not observed at significant frequency in large population cohorts (gnomAD); In silico analysis supports that this missense variant has a deleterious effect on protein structure/function; Has not been previously published as pathogenic or benign to our knowledge

Labcorp Genetics (formerly Invitae), Labcorp
Classification: Uncertain significance for Distal myopathy with posterior leg and anterior hand involvement; Myofibrillar myopathy 5; Hypertrophic cardiomyopathy 26. Last evaluated: 2025-02-20. Review status: criteria provided, single submitter. Criteria: Invitae Variant Classification Sherloc (09022015). Collection method: clinical testing. Allele origin: germline.
Comment: This sequence change replaces aspartic acid, which is acidic and polar, with glycine, which is neutral and non-polar, at codon 1114 of the FLNC protein (p.Asp1114Gly). This variant is not present in population databases (gnomAD no frequency). This variant has not been reported in the literature in individuals affected with FLNC-related conditions. Invitae Evidence Modeling of protein sequence and biophysical properties (such as structural, functional, and spatial information, amino acid conservation, physicochemical variation, residue mobility, and thermodynamic stability) has been performed for this missense variant. However, the output from this modeling did not meet the statistical confidence thresholds required to predict the impact of this variant on FLNC protein function. In summary, the available evidence is currently insufficient to determine the role of this variant in disease. Therefore, it has been classified as a Variant of Uncertain Significance.